The following is an entry in ClinVar:

ClinVar aggregate classification (germline): Uncertain significance (1 of 4 stars; one submission).

Conditions:
Dyskeratosis congenita. Identifiers: Orphanet 1775, MedGen C0265965, MONDO:0015780.

Allele frequency attached by ClinVar (database versions not stated): gnomAD exomes below 0.00001; gnomAD 0.00003 and 0.00004; TOPMed 0.00007.
gnomAD v4.1: 11 of 1,614,054 alleles (0.00068%); highest among the groups gnomAD compares: African/African-American, 0.013%; no homozygotes.

Submission:

Labcorp Genetics (formerly Invitae), Labcorp
Classification: Uncertain significance for Dyskeratosis congenita. Last evaluated: 2024-04-16. Review status: criteria provided, single submitter. Criteria: Invitae Variant Classification Sherloc (09022015). Collection method: clinical testing. Allele origin: germline.
Comment: This sequence change replaces glycine, which is neutral and non-polar, with valine, which is neutral and non-polar, at codon 1059 of the CTC1 protein (p.Gly1059Val). This variant is present in population databases (no rsID available, gnomAD 0.007%). This variant has not been reported in the literature in individuals affected with CTC1-related conditions. ClinVar contains an entry for this variant (Variation ID: 1347344). An algorithm developed to predict the effect of missense changes on protein structure and function (PolyPhen-2) suggests that this variant is likely to be disruptive. In summary, the available evidence is currently insufficient to determine the role of this variant in disease. Therefore, it has been classified as a Variant of Uncertain Significance.

NM_025099.6(CTC1):c.3176G>T (p.Gly1059Val)

Gene: CTC1 (CST telomere replication complex component 1; minus strand). Cytogenetic location: 17p13.1.
Variant type: single nucleotide variant.
Coding change: c.3176G>T on transcript NM_025099.6 (MANE Select); coding-DNA position 3176, G replaced by T.
Protein change: p.Gly1059Val; replaces glycine 1059 with valine.
Molecular consequence: missense variant.
Genome position (GRCh38, 1-based): chr17:8,229,187, C>A on the plus strand (G>T on the coding strand, the complement: CTC1 is on the minus strand). VCF-style: chr17-8229187-C-A. GRCh37 (hg19) VCF-style: chr17-8132505-C-A.
Other names: short protein forms G1059V.
Identifiers: ClinVar variation 1347344 (VCV001347344.6), dbSNP rs957741030, ClinGen allele CA287530103.
Genomic context (GRCh38, chr17:8,229,187, plus strand): 5'-GCCTTGTGCTCTCACCTGATGATGGCCTGGCTTATAGCTGTCTGCGTAGGGCAAGTGGAG[C>A]CCAGGCGAGTGCACTTTCCCTGGGATGAAGACAGTGGTTGGAAAAGTCCTCTTGGTCCCA-3'
Protein context (NP_079375.3, residues 1049-1069): ICRQGKCTRL[Gly1059Val]STCPTQTAIS